The following is an entry in ClinVar:

NM_001159699.2(FHL1):c.339dup (p.Ser114fs)

Gene: FHL1 (four and a half LIM domains 1; plus strand). Cytogenetic location: Xq26.3.
Variant type: Duplication.
Coding change: c.339dup on transcript NM_001159699.2 (MANE Select); coding-DNA position 339, one base duplicated (C; older notation c.339dupC).
Protein change: p.Ser114fs; shifts the reading frame from serine 114.
Molecular consequence: frameshift variant. On other transcripts: non-coding transcript variant (1).
Genome position (GRCh38, 1-based): chrX:136,207,150, C duplicated. VCF-style (leftmost placement, unchanged base first): chrX-136207149-A-AC. GRCh37 (hg19) VCF-style: chrX-135289308-A-AC.
Other names: c.291dup, p.Ser98fs (NM_001159700.2, NM_001159702.3, NM_001159703.2 and 9 more transcripts); c.378dup, p.Ser127fs (NM_001159701.2); c.339dup, p.Ser114fs (NM_001330659.2); short protein forms S114fs, S127fs, S98fs.
Identifiers: ClinVar variation 2737372 (VCV002737372.3), dbSNP rs2521265963, ClinGen allele CA2695237507.

ClinVar aggregate classification (germline): Pathogenic (1 of 4 stars; one submission).

Conditions:
X-linked myopathy with postural muscle atrophy. Also called: FHL1-Related Emery-Dreifuss Muscular Dystrophy, X-Linked. Identifiers: Orphanet 178461, MedGen C2678055, MONDO:0010401, OMIM 300696.

Submission:

Labcorp Genetics (formerly Invitae), Labcorp
Classification: Pathogenic for X-linked myopathy with postural muscle atrophy. Last evaluated: 2023-09-13. Review status: criteria provided, single submitter. Criteria: Invitae Variant Classification Sherloc (09022015). Collection method: clinical testing. Allele origin: germline.
Comment: For these reasons, this variant has been classified as Pathogenic. This sequence change creates a premature translational stop signal (p.Ser98Leufs*33) in the FHL1 gene. It is expected to result in an absent or disrupted protein product. Loss-of-function variants in FHL1 are known to be pathogenic (PMID: 18179888, 19687455, 19716112, 22523091, 24114807). This variant is not present in population databases (gnomAD no frequency). This premature translational stop signal has been observed in individual(s) with multiple congenital anomalies (PMID: 2663542).

Literature cited by the submitters: PubMed 18179888; PubMed 19687455; PubMed 19716112; PubMed 22523091; PubMed 24114807; PubMed 2663542.